The following is an entry in ClinVar:

ClinVar aggregate classification (germline): Uncertain significance (1 of 4 stars; one submission).

Conditions:
Progressive myoclonic epilepsy type 5. Identifiers: Orphanet 402082, MedGen C5190799.

Allele frequency attached by ClinVar (database versions not stated): gnomAD 0.00001; gnomAD exomes 0.00001; TOPMed 0.00001.

Submission:

Labcorp Genetics (formerly Invitae), Labcorp
Classification: Uncertain significance for Progressive myoclonic epilepsy type 5. Last evaluated: 2024-11-09. Review status: criteria provided, single submitter. Criteria: Invitae Variant Classification Sherloc (09022015). Collection method: clinical testing. Allele origin: germline.
Comment: This sequence change replaces serine, which is neutral and polar, with proline, which is neutral and non-polar, at codon 526 of the PRICKLE2 protein (p.Ser526Pro). This variant is present in population databases (no rsID available, gnomAD 0.009%). This variant has not been reported in the literature in individuals affected with PRICKLE2-related conditions. ClinVar contains an entry for this variant (Variation ID: 966500). Invitae Evidence Modeling of protein sequence and biophysical properties (such as structural, functional, and spatial information, amino acid conservation, physicochemical variation, residue mobility, and thermodynamic stability) indicates that this missense variant is not expected to disrupt PRICKLE2 protein function with a negative predictive value of 80%. In summary, the available evidence is currently insufficient to determine the role of this variant in disease. Therefore, it has been classified as a Variant of Uncertain Significance.

NM_198859.4(PRICKLE2):c.1576T>C (p.Ser526Pro)

Gene: PRICKLE2 (prickle planar cell polarity protein 2; minus strand). Cytogenetic location: 3p14.1.
Variant type: single nucleotide variant.
Coding change: c.1576T>C on transcript NM_198859.4 (MANE Select); coding-DNA position 1576, T replaced by C.
Protein change: p.Ser526Pro; replaces serine 526 with proline.
Molecular consequence: missense variant.
Genome position (GRCh38, 1-based): chr3:64,146,914, A>G on the plus strand (T>C on the coding strand, the complement: PRICKLE2 is on the minus strand). VCF-style: chr3-64146914-A-G. GRCh37 (hg19) VCF-style: chr3-64132590-A-G.
Other names: c.1576T>C, p.Ser526Pro (NM_001370528.1); short protein forms S526P.
Identifiers: ClinVar variation 966500 (VCV000966500.7), dbSNP rs1054433686, ClinGen allele CA75727105.